The following is an entry in ClinVar:

ClinVar aggregate classification (germline): Uncertain significance (1 of 4 stars; one submission).

Submission:

GeneDx
Classification: Uncertain significance. Last evaluated: 2019-10-31. Review status: criteria provided, single submitter. Criteria: GeneDx Variant Classification Process June 2021. Collection method: clinical testing. Allele origin: germline. Affected: yes.
Comment: Has not been previously published as pathogenic or benign to our knowledge; Not observed in large population cohorts (Lek et al., 2016); In silico analysis, which includes protein predictors and evolutionary conservation, supports a deleterious effect

NM_000306.4(POU1F1):c.106_107delinsGT (p.Pro36Val)

Gene: POU1F1 (POU class 1 homeobox 1; minus strand). Cytogenetic location: 3p11.2.
Variant type: Indel.
Coding change: c.106_107delinsGT on transcript NM_000306.4 (MANE Select); coding-DNA positions 106 to 107, CC replaced by GT.
Protein change: p.Pro36Val; replaces proline 36 with valine.
Molecular consequence: missense variant.
Genome position (GRCh38, 1-based): chr3:87,276,356-87,276,357, GG replaced by AC on the plus strand (CC replaced by GT on the coding strand, the reverse complement: POU1F1 is on the minus strand). VCF-style: chr3-87276356-GG-AC. GRCh37 (hg19) VCF-style: chr3-87325506-GG-AC.
Other names: c.106_107delinsGT, p.Pro36Val (NM_001122757.3); short protein forms P36V.
Identifiers: ClinVar variation 1309676 (VCV001309676.2), dbSNP rs2106944034, ClinGen allele CA2573052244.